The following is an entry in ClinVar:

NM_003900.5(SQSTM1):c.575A>G (p.His192Arg)

Gene: SQSTM1 (sequestosome 1; plus strand). Cytogenetic location: 5q35.3.
Variant type: single nucleotide variant.
Coding change: c.575A>G on transcript NM_003900.5 (MANE Select); coding-DNA position 575, A replaced by G.
Protein change: p.His192Arg; replaces histidine 192 with arginine.
Molecular consequence: missense variant.
Genome position (GRCh38, 1-based): chr5:179,824,225, A>G. VCF-style: chr5-179824225-A-G. GRCh37 (hg19) VCF-style: chr5-179251225-A-G.
Other names: c.323A>G, p.His108Arg (NM_001142298.2, NM_001142299.2); short protein forms H108R, H192R.
Identifiers: ClinVar variation 1521767 (VCV001521767.8), dbSNP rs1562655554, ClinGen allele CA362445522.

ClinVar aggregate classification (germline): Uncertain significance (1 of 4 stars; one submission).

Conditions:
Frontotemporal dementia and/or amyotrophic lateral sclerosis 1 (FTDALS1). Also called: Frontotemporal dementia with motor neuron disease 1; C9orf72 Frontotemporal Dementia and/or Amyotrophic Lateral Sclerosis. Identifiers: Orphanet 275872, MedGen C5779877, MONDO:0007105, OMIM 105550.
Paget disease of bone 2, early-onset (PDB2). Also called: Paget disease of bone 2. Identifiers: MedGen C4085251, MONDO:0011183, OMIM 602080.

Allele frequency attached by ClinVar (database versions not stated): gnomAD exomes below 0.00001 and 0.00001.
gnomAD v4.1: 16 of 1,613,870 alleles (0.00099%); highest among the groups gnomAD compares: Non-Finnish European, 0.0013%; no homozygotes.

Submission:

Labcorp Genetics (formerly Invitae), Labcorp
Classification: Uncertain significance for Paget disease of bone 2, early-onset; Frontotemporal dementia and/or amyotrophic lateral sclerosis 1. Last evaluated: 2025-06-04. Review status: criteria provided, single submitter. Criteria: Invitae Variant Classification Sherloc (09022015). Collection method: clinical testing. Allele origin: germline.
Comment: This sequence change replaces histidine, which is basic and polar, with arginine, which is basic and polar, at codon 192 of the SQSTM1 protein (p.His192Arg). This variant is not present in population databases (gnomAD no frequency). This variant has not been reported in the literature in individuals affected with SQSTM1-related conditions. ClinVar contains an entry for this variant (Variation ID: 1521767). Invitae Evidence Modeling of protein sequence and biophysical properties (such as structural, functional, and spatial information, amino acid conservation, physicochemical variation, residue mobility, and thermodynamic stability) indicates that this missense variant is not expected to disrupt SQSTM1 protein function with a negative predictive value of 80%. In summary, the available evidence is currently insufficient to determine the role of this variant in disease. Therefore, it has been classified as a Variant of Uncertain Significance.